The following is an entry in ClinVar:

NM_003001.5(SDHC):c.*81T>G

Gene: SDHC (succinate dehydrogenase complex subunit C; plus strand). Cytogenetic location: 1q23.3.
Variant type: single nucleotide variant.
Coding change: c.*81T>G on transcript NM_003001.5 (MANE Select); 81 bases downstream of the stop codon, T replaced by G.
Molecular consequence: 3 prime UTR variant. On other transcripts: missense variant (3), non-coding transcript variant (1).
Genome position (GRCh38, 1-based): chr1:161,362,514, T>G. VCF-style: chr1-161362514-T-G. GRCh37 (hg19) VCF-style: chr1-161332304-T-G.
Other names: c.427T>G, p.Trp143Gly (NM_001035511.3); c.*81T>G (NM_001035512.3, NM_001035513.3, NM_001407115.1 and 5 more transcripts); c.325T>G, p.Trp109Gly (NM_001278172.3); c.370T>G, p.Trp124Gly (NM_001407121.1); short protein forms W143G, W109G, W124G.
Identifiers: ClinVar variation 5029357 (VCV005029357.1).

ClinVar aggregate classification (germline): Uncertain significance (1 of 4 stars; one submission).

Conditions:
Hereditary cancer-predisposing syndrome. Also called: Neoplastic Syndromes, Hereditary; Tumor predisposition; Hereditary neoplastic syndrome; Hereditary Cancer Syndrome. Identifiers: Orphanet 140162, MedGen C0027672, MeSH D009386, MONDO:0015356.

Submission:

Ambry Genetics
Classification: Uncertain significance for Hereditary cancer-predisposing syndrome. Last evaluated: 2026-07-07. Review status: criteria provided, single submitter. Criteria: Ambry Variant Classification Scheme 2023. Collection method: clinical testing. Allele origin: germline.
Comment: The p.W143G variant (also known as c.427T>G), located in coding exon 5 of the SDHC gene, results from a T to G substitution at nucleotide position 427. The tryptophan at codon 143 is replaced by glycine, an amino acid with highly dissimilar properties. This amino acid position is conserved. In addition, this alteration is predicted to be tolerated by in silico analysis. Based on the available evidence, the clinical significance of this variant remains unclear.